The following is an entry in ClinVar:

ClinVar aggregate classification (germline): Uncertain significance (1 of 4 stars; one submission).

Allele frequency attached by ClinVar (database versions not stated): gnomAD 0.00001; TOPMed 0.00002; gnomAD exomes 0.00004; ExAC 0.00010; 1000 Genomes Project 30x 0.00016; 1000 Genomes Project 0.00020.
gnomAD v4.1: 64 of 1,614,148 alleles (0.004%); highest among the groups gnomAD compares: South Asian, 0.056%; no homozygotes.

Submission:

Labcorp Genetics (formerly Invitae), Labcorp
Classification: Uncertain significance. Last evaluated: 2022-03-31. Review status: criteria provided, single submitter. Criteria: Invitae Variant Classification Sherloc (09022015). Collection method: clinical testing. Allele origin: germline.
Comment: This sequence change replaces proline, which is neutral and non-polar, with leucine, which is neutral and non-polar, at codon 4773 of the FAT4 protein (p.Pro4773Leu). This variant is present in population databases (rs537864241, gnomAD 0.05%). This variant has not been reported in the literature in individuals affected with FAT4-related conditions. Advanced modeling of protein sequence and biophysical properties (such as structural, functional, and spatial information, amino acid conservation, physicochemical variation, residue mobility, and thermodynamic stability) performed at Invitae indicates that this missense variant is not expected to disrupt FAT4 protein function. In summary, the available evidence is currently insufficient to determine the role of this variant in disease. Therefore, it has been classified as a Variant of Uncertain Significance.

NM_001291303.3(FAT4):c.14324C>T (p.Pro4775Leu)

Gene: FAT4 (FAT atypical cadherin 4; plus strand). Cytogenetic location: 4q28.1.
Variant type: single nucleotide variant.
Coding change: c.14324C>T on transcript NM_001291303.3 (MANE Select); coding-DNA position 14324, C replaced by T.
Protein change: p.Pro4775Leu; replaces proline 4775 with leucine.
Molecular consequence: missense variant.
Genome position (GRCh38, 1-based): chr4:125,491,140, C>T. VCF-style: chr4-125491140-C-T. GRCh37 (hg19) VCF-style: chr4-126412295-C-T.
Other names: c.14321C>T, p.Pro4774Leu (NM_001291285.3); c.14318C>T, p.Pro4773Leu (NM_024582.6); short protein forms P4775L, P4773L, P4774L.
Identifiers: ClinVar variation 2057090 (VCV002057090.1), dbSNP rs537864241, ClinGen allele CA3074538.